The following is an entry in ClinVar:

ClinVar aggregate classification (germline): Pathogenic (1 of 4 stars; one submission).

Conditions:
Developmental and epileptic encephalopathy, 1 (DEE1). Also called: INFANTILE SPASM SYNDROME, X-LINKED 1; X-linked infantile spasms; West's syndrome; Tonic spasms with clustering, arrest of psychomotor development and hypsarrhythmia on EEG; X-Linked Infantile Spasm Syndrome; OHTAHARA SYNDROME, X-LINKED. Identifiers: MedGen C3463992, MONDO:0010632, OMIM 308350. Disease mechanism: loss of function.
Autosomal recessive spinocerebellar ataxia 12. Also called: SPINOCEREBELLAR ATAXIA WITH MENTAL RETARDATION AND EPILEPSY. Identifiers: Orphanet 284282, MedGen C3280452, MONDO:0013687, OMIM 614322.

Submission:

Labcorp Genetics (formerly Invitae), Labcorp
Classification: Pathogenic for Developmental and epileptic encephalopathy, 1; Autosomal recessive spinocerebellar ataxia 12. Last evaluated: 2017-07-14. Review status: criteria provided, single submitter. Criteria: Invitae Variant Classification Sherloc (09022015). Collection method: clinical testing. Allele origin: germline.
Comment: For these reasons, this variant has been classified as Pathogenic. While this particular variant has not been reported in the literature, loss-of-function variants in WWOX are known to be pathogenic (PMID: 25411445). This variant is a gross duplication of the genomic region encompassing most of exon 6 of the WWOX gene, including the intron 5-exon 6 boundary (c.517-68114_597dup). The duplicated copy of this region is in tandem. This likely creates a premature translational stop signal and is expected to result in an absent or disrupted protein product.

Literature cited by the submitters: PubMed 25411445.

NC_000016.9:g.(?_78352643)_(78420837_?)dup

Genes: WWOX (WW domain containing oxidoreductase; plus strand), LOC132090432 (Neanderthal introgressed variant-containing enhancer experimental_46172; plus strand), LOC132090433 (Neanderthal introgressed variant-containing enhancer experimental_46191; plus strand), LOC132090434 (Neanderthal introgressed variant-containing enhancer experimental_46196; plus strand). Cytogenetic location: 16q23.1.
Variant type: Duplication.
Identifiers: ClinVar variation 473015 (VCV000473015.11).